The following is an entry in ClinVar:

NM_004444.5(EPHB4):c.1870+5G>C

Gene: EPHB4 (EPH receptor B4; minus strand). Cytogenetic location: 7q22.1.
Variant type: single nucleotide variant.
Coding change: c.1870+5G>C on transcript NM_004444.5 (MANE Select); 5 bases into the intron after coding-DNA position 1870, G replaced by C.
Molecular consequence: intron variant.
Genome position (GRCh38, 1-based): chr7:100,813,090, C>G on the plus strand (G>C on the coding strand, the complement: EPHB4 is on the minus strand). VCF-style: chr7-100813090-C-G. GRCh37 (hg19) VCF-style: chr7-100410712-C-G.
Identifiers: ClinVar variation 1781677 (VCV001781677.8), dbSNP rs2485017182, ClinGen allele CA2580075996.

ClinVar aggregate classification (germline): Uncertain significance. Review status: criteria provided, multiple submitters, no conflicts (2 of 4 stars). 2 submissions from 2 submitters: Uncertain significance (2). Last evaluated 2024-08-01.

Conditions:
Cardiovascular phenotype. Identifiers: MedGen CN230736.

gnomAD v4.1: 1 of 1,613,458 alleles (0.000062%); no homozygotes.

Submissions (2):

Ambry Genetics
Classification: Uncertain significance for Cardiovascular phenotype. Last evaluated: 2024-08-01. Review status: criteria provided, single submitter. Criteria: Ambry Variant Classification Scheme 2023. Collection method: clinical testing. Allele origin: germline.
Comment: The c.1870+5G>C intronic variant results from a G to C substitution 5 nucleotides after coding exon 11 in the EPHB4 gene. This nucleotide position is highly conserved in available vertebrate species. In silico splice site analysis predicts that this alteration will result in the creation or strengthening of a novel splice donor site. RNA studies have demonstrated that this alteration results in a splice defect; the clinical impact of this abnormal splicing is unknown at this time (Ambry internal data). Based on the available evidence, the clinical significance of this variant remains unclear.

Labcorp Genetics (formerly Invitae), Labcorp
Classification: Uncertain significance. Last evaluated: 2022-04-08. Review status: criteria provided, single submitter. Criteria: Invitae Variant Classification Sherloc (09022015). Collection method: clinical testing. Allele origin: germline.
Comment: This variant has not been reported in the literature in individuals affected with EPHB4-related conditions. In summary, the available evidence is currently insufficient to determine the role of this variant in disease. Therefore, it has been classified as a Variant of Uncertain Significance. Variants that disrupt the consensus splice site are a relatively common cause of aberrant splicing (PMID: 17576681, 9536098). Algorithms developed to predict the effect of sequence changes on RNA splicing suggest that this variant may create or strengthen a splice site. This variant is not present in population databases (gnomAD no frequency). This sequence change falls in intron 11 of the EPHB4 gene. It does not directly change the encoded amino acid sequence of the EPHB4 protein. It affects a nucleotide within the consensus splice site.

Literature cited by the submitters: PubMed 17576681 (cited by Labcorp Genetics (formerly Invitae), Labcorp); PubMed 9536098 (cited by Labcorp Genetics (formerly Invitae), Labcorp).